The following is an entry in ClinVar:

NM_006182.4(DDR2):c.2002C>T (p.Arg668Cys)

Gene: DDR2 (discoidin domain receptor tyrosine kinase 2; plus strand). Cytogenetic location: 1q23.3.
Variant type: single nucleotide variant.
Coding change: c.2002C>T on transcript NM_006182.4 (MANE Select); coding-DNA position 2002, C replaced by T.
Protein change: p.Arg668Cys; replaces arginine 668 with cysteine.
Molecular consequence: missense variant.
Genome position (GRCh38, 1-based): chr1:162,775,797, C>T. VCF-style: chr1-162775797-C-T. GRCh37 (hg19) VCF-style: chr1-162745587-C-T.
Other names: c.2002C>T, p.Arg668Cys (NM_001014796.3, NM_001354982.2, NM_001354983.2); short protein forms R668C.
Identifiers: ClinVar variation 1507467 (VCV001507467.6), dbSNP rs751660319, ClinGen allele CA1217679.

ClinVar aggregate classification (germline): Uncertain significance (1 of 4 stars; one submission).

Allele frequency attached by ClinVar (database versions not stated): ExAC 0.00001; gnomAD exomes 0.00001; gnomAD 0.00003 and 0.00004; TOPMed 0.00003.
gnomAD v4.1: 25 of 1,614,050 alleles (0.0015%); highest among the groups gnomAD compares: African/African-American, 0.0027%; no homozygotes.

Submission:

Labcorp Genetics (formerly Invitae), Labcorp
Classification: Uncertain significance. Last evaluated: 2025-03-30. Review status: criteria provided, single submitter. Criteria: Invitae Variant Classification Sherloc (09022015). Collection method: clinical testing. Allele origin: germline.
Comment: This sequence change replaces arginine, which is basic and polar, with cysteine, which is neutral and slightly polar, at codon 668 of the DDR2 protein (p.Arg668Cys). This variant is present in population databases (rs751660319, gnomAD 0.006%). This variant has not been reported in the literature in individuals affected with DDR2-related conditions. ClinVar contains an entry for this variant (Variation ID: 1507467). An algorithm developed to predict the effect of missense changes on protein structure and function (PolyPhen-2) suggests that this variant is likely to be disruptive. In summary, the available evidence is currently insufficient to determine the role of this variant in disease. Therefore, it has been classified as a Variant of Uncertain Significance.